The following is an entry in ClinVar:

ClinVar aggregate classification (germline): Pathogenic. Review status: criteria provided, single submitter (1 of 4 stars). 2 submissions from 2 submitters: Pathogenic (1). 1 of the submissions does not count toward it. Last evaluated 2025-10-19.

Conditions:
Ehlers-Danlos syndrome, type 4 (EDSVASC). Also called: Ehlers-Danlos syndrome vascular type; Ehlers Danlos syndrome, ecchymotic type; Ehlers Danlos syndrome, arterial type; Ehlers Danlos syndrome, Sack-Barabas type; Ehlers-Danlos Syndrome Type IV. Identifiers: Orphanet 286, MedGen C0268338, MONDO:0017314, OMIM 130050.
Congenital aneurysm of ascending aorta (AAT1). Also called: Aortic aneurysm, thoracic; Familial thoracic aortic aneurysm; AORTIC ANEURYSM, FAMILIAL THORACIC 1; ANNULOAORTIC ECTASIA. Identifiers: Orphanet 229, MedGen C0345050, MONDO:0024559, OMIM 607086.

Submissions (2):

Labcorp Genetics (formerly Invitae), Labcorp
Classification: Pathogenic for Ehlers-Danlos syndrome, type 4. Last evaluated: 2025-10-19. Review status: criteria provided, single submitter. Criteria: Invitae Variant Classification Sherloc (09022015). Collection method: clinical testing. Allele origin: germline.
Comment: This sequence change replaces glycine, which is neutral and non-polar, with arginine, which is basic and polar, at codon 633 of the COL3A1 protein (p.Gly633Arg). This variant is not present in population databases (gnomAD no frequency). This missense change has been observed in individual(s) with clinical features of autosomal dominant Ehlers-Danlos syndrome, vascular type (internal data). In at least one individual the variant was observed to be de novo. ClinVar contains an entry for this variant (Variation ID: 549890). Invitae Evidence Modeling of protein sequence and biophysical properties (such as structural, functional, and spatial information, amino acid conservation, physicochemical variation, residue mobility, and thermodynamic stability) indicates that this missense variant is expected to disrupt COL3A1 protein function with a positive predictive value of 95%. This variant disrupts the triple helix domain of COL3A1. Glycine residues within the Gly-Xaa-Yaa repeats of the triple helix domain are required for the structure and stability of fibrillar collagens (PMID: 7695699, 8218237, 19344236). In COL3A1, variants that affect these glycine residues are significantly enriched in individuals with disease (PMID: 24922459, 25758994) compared to the general population (ExAC). For these reasons, this variant has been classified as Pathogenic.

Center of Vascular Surgery, The Second Affiliated Hospital of Nanchang University
Classification: risk factor for Congenital aneurysm of ascending aorta. Review status: no assertion criteria provided. Collection method: clinical testing. Allele origin: germline. Affected: yes. Not counted in ClinVar's aggregate classification.

Literature cited by the submitters: PubMed 7695699 (cited by Labcorp Genetics (formerly Invitae), Labcorp); PubMed 8218237 (cited by Labcorp Genetics (formerly Invitae), Labcorp); PubMed 19344236 (cited by Labcorp Genetics (formerly Invitae), Labcorp); PubMed 24922459 (cited by Labcorp Genetics (formerly Invitae), Labcorp); PubMed 25758994 (cited by Labcorp Genetics (formerly Invitae), Labcorp).

NM_000090.4(COL3A1):c.1897G>A (p.Gly633Arg)

Gene: COL3A1 (collagen type III alpha 1 chain; plus strand). Cytogenetic location: 2q32.2.
Variant type: single nucleotide variant.
Coding change: c.1897G>A on transcript NM_000090.4 (MANE Select); coding-DNA position 1897, G replaced by A.
Protein change: p.Gly633Arg; replaces glycine 633 with arginine.
Molecular consequence: missense variant.
Genome position (GRCh38, 1-based): chr2:188,997,727, G>A. VCF-style: chr2-188997727-G-A. GRCh37 (hg19) VCF-style: chr2-189862453-G-A.
Other names: short protein forms G633R.
Identifiers: ClinVar variation 549890 (VCV000549890.12), dbSNP rs1553508473, ClinGen allele CA349853747.